The following is an entry in ClinVar:

NM_021098.3(CACNA1H):c.4958A>G (p.Asn1653Ser)

Gene: CACNA1H (calcium voltage-gated channel subunit alpha1 H; plus strand). Cytogenetic location: 16p13.3.
Variant type: single nucleotide variant.
Coding change: c.4958A>G on transcript NM_021098.3 (MANE Select); coding-DNA position 4958, A replaced by G.
Protein change: p.Asn1653Ser; replaces asparagine 1653 with serine.
Molecular consequence: missense variant.
Genome position (GRCh38, 1-based): chr16:1,215,000, A>G. VCF-style: chr16-1215000-A-G. GRCh37 (hg19) VCF-style: chr16-1265000-A-G.
Other names: c.4940A>G, p.Asn1647Ser (NM_001005407.2); short protein forms N1653S, N1647S.
Identifiers: ClinVar variation 1433441 (VCV001433441.8), dbSNP rs2141374211, ClinGen allele CA394146119.

ClinVar aggregate classification (germline): Uncertain significance (1 of 4 stars; one submission).

Conditions:
Idiopathic generalized epilepsy. Also called: EIG; Generalised epilepsy. Identifiers: MedGen C0270850, MONDO:0005579, OMIM 600669.
Hyperaldosteronism, familial, type IV (HALD4). Also called: FH IV; ALDOSTERONISM, PRIMARY, AND HYPERTENSION. Identifiers: Orphanet 642671, MedGen C4310756, MONDO:0014875, OMIM 617027.

Allele frequency attached by ClinVar (database versions not stated): gnomAD exomes 0.00001.
gnomAD v4.1: 7 of 1,612,122 alleles (0.00043%); highest among the groups gnomAD compares: South Asian, 0.0077%; no homozygotes.

Submission:

Labcorp Genetics (formerly Invitae), Labcorp
Classification: Uncertain significance for Idiopathic generalized epilepsy; Hyperaldosteronism, familial, type IV. Last evaluated: 2024-04-29. Review status: criteria provided, single submitter. Criteria: Invitae Variant Classification Sherloc (09022015). Collection method: clinical testing. Allele origin: germline.
Comment: This sequence change replaces asparagine, which is neutral and polar, with serine, which is neutral and polar, at codon 1653 of the CACNA1H protein (p.Asn1653Ser). This variant is not present in population databases (gnomAD no frequency). This variant has not been reported in the literature in individuals affected with CACNA1H-related conditions. ClinVar contains an entry for this variant (Variation ID: 1433441). Advanced modeling of protein sequence and biophysical properties (such as structural, functional, and spatial information, amino acid conservation, physicochemical variation, residue mobility, and thermodynamic stability) performed at Invitae indicates that this missense variant is expected to disrupt CACNA1H protein function with a positive predictive value of 80%. In summary, the available evidence is currently insufficient to determine the role of this variant in disease. Therefore, it has been classified as a Variant of Uncertain Significance.